The following is an entry in ClinVar:

ClinVar aggregate classification (germline): Likely benign. Review status: criteria provided, multiple submitters, no conflicts (2 of 4 stars). 3 submissions from 3 submitters: Likely benign (3). Last evaluated 2025-12-15.

Conditions:
MYO18B-related disorder. Also called: MYO18B-related condition.

Allele frequency attached by ClinVar (database versions not stated): TOPMed 0.00001; gnomAD 0.00006.
gnomAD v4.1: 27 of 1,613,806 alleles (0.0017%); highest among the groups gnomAD compares: African/African-American, 0.008%; no homozygotes.

Submissions (3):

PreventionGenetics, part of Exact Sciences
Classification: Likely benign for MYO18B-related condition. Last evaluated: 2025-12-15. Review status: criteria provided, single submitter. Criteria: ACMG Guidelines, 2015. Collection method: clinical testing. Allele origin: germline.
Comment: This variant is classified as likely benign based on ACMG/AMP sequence variant interpretation guidelines (Richards et al. 2015 PMID: 25741868, with internal and published modifications).

Blueprint Genetics
Classification: Likely benign. Last evaluated: 2024-09-06. Review status: criteria provided, single submitter. Criteria: ACMG Guidelines, 2015. Collection method: clinical testing. Allele origin: germline.

Labcorp Genetics (formerly Invitae), Labcorp
Classification: Likely benign. Last evaluated: 2024-08-08. Review status: criteria provided, single submitter. Criteria: Invitae Variant Classification Sherloc (09022015). Collection method: clinical testing. Allele origin: germline.

NM_032608.7(MYO18B):c.2583C>T (p.Cys861=)

Gene: MYO18B (myosin XVIIIB; plus strand). Cytogenetic location: 22q12.1.
Variant type: single nucleotide variant.
Coding change: c.2583C>T on transcript NM_032608.7 (MANE Select); coding-DNA position 2583, C replaced by T.
Protein change: p.Cys861=; no amino-acid change (cysteine 861 retained).
Molecular consequence: synonymous variant.
Genome position (GRCh38, 1-based): chr22:25,823,566, C>T. VCF-style: chr22-25823566-C-T. GRCh37 (hg19) VCF-style: chr22-26219533-C-T.
Other names: c.2583C>T, p.Cys861= (NM_001318245.2).
Identifiers: ClinVar variation 726958 (VCV000726958.10), dbSNP rs567970076, ClinGen allele CA10160227.